The following is an entry in ClinVar:

ClinVar aggregate classification (germline): Uncertain significance (1 of 4 stars; one submission).

Conditions:
Bethlem myopathy 1A. Also called: Bethlem myopathy 1; MYOPATHY, BENIGN CONGENITAL, WITH CONTRACTURES; Bethlem Muscular Dystrophy. Identifiers: Orphanet 610, MedGen CN029274, MONDO:0024530, OMIM 158810.

Allele frequency attached by ClinVar (database versions not stated): gnomAD exomes below 0.00001.
gnomAD v4.1: 1 of 1,613,914 alleles (0.000062%); highest among the groups gnomAD compares: Non-Finnish European, 0.000085%; no homozygotes.

Submission:

Labcorp Genetics (formerly Invitae), Labcorp
Classification: Uncertain significance for Bethlem myopathy 1A. Last evaluated: 2022-11-28. Review status: criteria provided, single submitter. Criteria: Invitae Variant Classification Sherloc (09022015). Collection method: clinical testing. Allele origin: germline.
Comment: This sequence change replaces alanine, which is neutral and non-polar, with threonine, which is neutral and polar, at codon 1110 of the COL6A3 protein (p.Ala1110Thr). This variant is not present in population databases (gnomAD no frequency). This variant has not been reported in the literature in individuals affected with COL6A3-related conditions. Advanced modeling of protein sequence and biophysical properties (such as structural, functional, and spatial information, amino acid conservation, physicochemical variation, residue mobility, and thermodynamic stability) performed at Invitae indicates that this missense variant is not expected to disrupt COL6A3 protein function. In summary, the available evidence is currently insufficient to determine the role of this variant in disease. Therefore, it has been classified as a Variant of Uncertain Significance.

NM_004369.4(COL6A3):c.3328G>A (p.Ala1110Thr)

Gene: COL6A3 (collagen type VI alpha 3 chain; minus strand). Cytogenetic location: 2q37.3.
Variant type: single nucleotide variant.
Coding change: c.3328G>A on transcript NM_004369.4 (MANE Select); coding-DNA position 3328, G replaced by A.
Protein change: p.Ala1110Thr; replaces alanine 1110 with threonine.
Molecular consequence: missense variant.
Genome position (GRCh38, 1-based): chr2:237,374,763, C>T on the plus strand (G>A on the coding strand, the complement: COL6A3 is on the minus strand). VCF-style: chr2-237374763-C-T. GRCh37 (hg19) VCF-style: chr2-238283406-C-T.
Other names: c.2107G>A, p.Ala703Thr (NM_057164.5); c.2710G>A, p.Ala904Thr (NM_057165.5, NM_057167.4); c.1507G>A, p.Ala503Thr (NM_057166.5); short protein forms A1110T, A503T, A703T, A904T.
Identifiers: ClinVar variation 2817144 (VCV002817144.3), dbSNP rs2469906149, ClinGen allele CA351203713.